The following is an entry in ClinVar:

NM_001270447.2(ACADVL):c.132-277G>A

Genes: ACADVL (acyl-CoA dehydrogenase very long chain; plus strand), DLG4 (discs large MAGUK scaffold protein 4; minus strand). Cytogenetic location: 17p13.1.
Variant type: single nucleotide variant.
Coding change: c.132-277G>A on transcript NM_001270447.2; 277 bases into the intron before coding-DNA position 132, G replaced by A.
Molecular consequence: intron variant. On other transcripts: 5 prime UTR variant (1), non-coding transcript variant (1).
Genome position (GRCh38, 1-based): chr17:7,219,845, G>A. VCF-style: chr17-7219845-G-A. GRCh37 (hg19) VCF-style: chr17-7123164-G-A.
Other names: c.-996C>T (NM_001321074.1).
Identifiers: ClinVar variation 3059602 (VCV003059602.2), dbSNP rs2071094657, ClinGen allele CA2245697205.

ClinVar aggregate classification (germline): Likely benign (0 of 4 stars; one submission).

Conditions:
ACADVL-related disorder. Also called: ACADVL-related condition.

Allele frequency attached by ClinVar (database versions not stated): TOPMed below 0.00001.
gnomAD v4.1: 8 of 1,538,290 alleles (0.00052%); highest among the groups gnomAD compares: Non-Finnish European, 0.00061%; no homozygotes.

Submission:

PreventionGenetics, part of Exact Sciences
Classification: Likely benign for ACADVL-related condition. Last evaluated: 2021-08-23. Review status: no assertion criteria provided. Collection method: clinical testing. Allele origin: germline.
Comment: This variant is classified as likely benign based on ACMG/AMP sequence variant interpretation guidelines (Richards et al. 2015 PMID: 25741868, with internal and published modifications).